The following is an entry in ClinVar:

ClinVar aggregate classification (germline): Benign/Likely benign. Review status: criteria provided, multiple submitters, no conflicts (2 of 4 stars). 6 submissions from 6 submitters: Benign (3); Likely benign (3). Last evaluated 2026-07-01.

Conditions:
Autosomal dominant aplasia and myelodysplasia. Also called: Bone marrow failure syndrome 1. Identifiers: Orphanet 314399, MedGen C3808553, MONDO:0013851, OMIM 614675.

Allele frequency attached by ClinVar (database versions not stated): ESP Exome Variant Server 0.00280; ExAC 0.00312; gnomAD exomes 0.00320 and 0.00362; gnomAD 0.00334 and 0.00351; 1000 Genomes Project 0.00339; TOPMed 0.00382; 1000 Genomes Project 30x 0.00390.

Submissions (6):

CeGaT Center for Human Genetics Tuebingen
Classification: Likely benign. Last evaluated: 2026-07-01. Review status: criteria provided, single submitter. Criteria: CeGaT Center For Human Genetics Tuebingen Variant Classification Criteria Version 2. Collection method: clinical testing. Allele origin: germline. Affected: yes. Observed: 3 variant alleles.
Comment: SRP72: BP4, BS2

Labcorp Genetics (formerly Invitae), Labcorp
Classification: Benign. Last evaluated: 2026-02-04. Review status: criteria provided, single submitter. Criteria: Invitae Variant Classification Sherloc (09022015). Collection method: clinical testing. Allele origin: germline.

ARUP Laboratories, Molecular Genetics and Genomics, ARUP Laboratories
Classification: Benign for Autosomal dominant aplasia and myelodysplasia. Last evaluated: 2024-11-27. Review status: criteria provided, single submitter. Criteria: ARUP Molecular Germline Variant Investigation Process 2024. Collection method: clinical testing. Allele origin: germline.

Blueprint Genetics
Classification: Likely benign. Last evaluated: 2024-11-22. Review status: criteria provided, single submitter. Criteria: ACMG Guidelines, 2015. Collection method: clinical testing. Allele origin: germline.

GeneDx
Classification: Likely benign. Last evaluated: 2023-11-11. Review status: criteria provided, single submitter. Criteria: GeneDx Variant Classification Process June 2021. Collection method: clinical testing. Allele origin: germline. Affected: yes.
Comment: See Variant Classification Assertion Criteria.

Genetic Services Laboratory, University of Chicago
Classification: Benign. Last evaluated: 2016-11-28. Review status: criteria provided, single submitter. Criteria: ACMG Guidelines, 2015. Collection method: clinical testing. Allele origin: germline. Affected: no.

NM_006947.4(SRP72):c.1640+6dup

Gene: SRP72 (signal recognition particle 72; plus strand). Cytogenetic location: 4q12.
Variant type: Duplication.
Coding change: c.1640+6dup on transcript NM_006947.4 (MANE Select); 6 bases into the intron after coding-DNA position 1640, one base duplicated (A; older notation c.1640+6dupA).
Molecular consequence: intron variant.
Genome position (GRCh38, 1-based): chr4:56,491,574, A duplicated. VCF-style (leftmost placement, unchanged base first): chr4-56491573-T-TA. GRCh37 (hg19) VCF-style: chr4-57357739-T-TA.
Other names: c.1640+6dup (LRG_1151t1); c.1457+6dup (NM_001267722.2).
Identifiers: ClinVar variation 349129 (VCV000349129.41), dbSNP rs572508224, ClinGen allele CA2931417.
Genomic context (GRCh38, chr4:56,491,573, plus strand): 5'-TACATTCGGAAGAAGGGTGGAAAAGTTACTGGAGATAGTCAACCAAAGGAACAAGGGTAA[T>TA]ATTTTTCATTGTAACGTTCTCTAATGCTGATTTTAAATTAGACAAGGAATAAAAAATACA-3'